The following is an entry in ClinVar:

ClinVar aggregate classification (germline): Uncertain significance (1 of 4 stars; one submission).

Conditions:
Progressive myoclonic epilepsy type 8. Identifiers: Orphanet 424027, MedGen C5190825, MONDO:0014545, OMIM 616230.

Allele frequency attached by ClinVar (database versions not stated): gnomAD exomes below 0.00001; ExAC 0.00001; gnomAD 0.00002; TOPMed 0.00003.
gnomAD v4.1: 6 of 1,613,338 alleles (0.00037%); highest among the groups gnomAD compares: African/African-American, 0.004%; no homozygotes.

Submission:

Labcorp Genetics (formerly Invitae), Labcorp
Classification: Uncertain significance for Progressive myoclonic epilepsy type 8. Last evaluated: 2021-08-20. Review status: criteria provided, single submitter. Criteria: Invitae Variant Classification Sherloc (09022015). Collection method: clinical testing. Allele origin: germline.
Comment: This sequence change replaces tyrosine with cysteine at codon 159 of the CERS1 protein (p.Tyr159Cys). The tyrosine residue is highly conserved and there is a large physicochemical difference between tyrosine and cysteine. This variant is present in population databases (rs764228779, ExAC 0.01%). This variant has not been reported in the literature in individuals affected with CERS1-related conditions. Algorithms developed to predict the effect of missense changes on protein structure and function (SIFT, PolyPhen-2, Align-GVGD) all suggest that this variant is likely to be disruptive. In summary, the available evidence is currently insufficient to determine the role of this variant in disease. Therefore, it has been classified as a Variant of Uncertain Significance.

NM_021267.5(CERS1):c.476A>G (p.Tyr159Cys)

Genes: CERS1 (ceramide synthase 1; minus strand), GDF1 (growth differentiation factor 1; minus strand). Cytogenetic location: 19p13.11.
Variant type: single nucleotide variant.
Coding change: c.476A>G on transcript NM_021267.5 (MANE Select); coding-DNA position 476, A replaced by G.
Protein change: p.Tyr159Cys; replaces tyrosine 159 with cysteine.
Molecular consequence: missense variant. On other transcripts: 5 prime UTR variant (2).
Genome position (GRCh38, 1-based): chr19:18,884,201, T>C on the plus strand (A>G on the coding strand, the complement: CERS1 is on the minus strand). VCF-style: chr19-18884201-T-C. GRCh37 (hg19) VCF-style: chr19-18995010-T-C.
Other names: c.182A>G, p.Tyr61Cys (NM_001290265.2, NM_001387442.1, NM_001387443.1 and 2 more transcripts); c.476A>G, p.Tyr159Cys (NM_001387439.1, NM_001387440.1, NM_001387441.1 and 1 more transcripts); c.-427A>G (NM_001387438.1); c.-847A>G (NM_001492.6); short protein forms Y61C, Y159C.
Identifiers: ClinVar variation 840171 (VCV000840171.6), dbSNP rs764228779, ClinGen allele CA9318255.